The following is an entry in ClinVar:

NM_001267550.2(TTN):c.70915delinsAGAAACTGACC (p.Tyr23639delinsArgAsnTer)

Genes: TTN (titin; minus strand), TTN-AS1 (TTN antisense RNA 1; plus strand). Cytogenetic location: 2q31.2.
Variant type: Indel.
Coding change: c.70915delinsAGAAACTGACC on transcript NM_001267550.2 (MANE Select); coding-DNA position 70915, T replaced by AGAAACTGACC.
Protein change: p.Tyr23639delinsArgAsnTer.
Molecular consequence: nonsense.
Genome position (GRCh38, 1-based): chr2:178,575,217, A replaced by GGTCAGTTTCT on the plus strand (T replaced by AGAAACTGACC on the coding strand, the reverse complement: TTN is on the minus strand). VCF-style: chr2-178575217-A-GGTCAGTTTCT. GRCh37 (hg19) VCF-style: chr2-179439944-A-GGTCAGTTTCT.
Other names: c.65992delinsAGAAACTGACC, p.Tyr21998delinsArgAsnTer (NM_001256850.1); c.43720delinsAGAAACTGACC, p.Tyr14574delinsArgAsnTer (NM_003319.4); c.63211delinsAGAAACTGACC, p.Tyr21071delinsArgAsnTer (NM_133378.4); c.44095delinsAGAAACTGACC, p.Tyr14699delinsArgAsnTer (NM_133432.3); c.44296delinsAGAAACTGACC, p.Tyr14766delinsArgAsnTer (NM_133437.4); c.43720delTinsAGAAACTGACC (NM_003319.4).
Identifiers: ClinVar variation 2451950 (VCV002451950.2), dbSNP rs2468665214, ClinGen allele CA2580064875.
Genomic context (GRCh38, chr2:178,575,217, plus strand): 5'-CGAGCACTGGAATTTCAACTTTGATGTTGTCACCAGCTTTGGCAATGACCAGTTTCTGAT[A>GGTCAGTTTCT]GATGCCACGGAGATCCAGCTCTGGAAGCATTGTCTGCTCCTTGACAATGACGGGTCTGCT-3'

ClinVar aggregate classification (germline): Likely pathogenic (1 of 4 stars; one submission).

Conditions:
Cardiovascular phenotype. Identifiers: MedGen CN230736.

Submission:

Ambry Genetics
Classification: Likely pathogenic for Cardiovascular phenotype. Last evaluated: 2023-03-09. Review status: criteria provided, single submitter. Criteria: Ambry Variant Classification Scheme 2023. Collection method: clinical testing. Allele origin: germline.
Comment: The c.43720delTins11 variant, located in coding exon 153 of the TTN gene, results from the deletion of one nucleotide and insertion of 11 nucleotides causing a translational frameshift with a predicted alternate stop codon (p.Y14574Rfs*3). This exon is located in the A-band region of the N2-B isoform of the titin protein and is constitutively expressed in TTN transcripts (percent spliced in or PSI 100%). This variant is considered to be rare based on population cohorts in the Genome Aggregation Database (gnomAD). This alteration is expected to result in loss of function by premature protein truncation or nonsense-mediated mRNA decay. While truncating variants in TTN are present in 1-3% of the general population, truncating variants in the A-band are the most common cause of dilated cardiomyopathy (DCM) (Herman DS et al. N. Engl. J. Med., 2012 Feb;366:619-28; Roberts AM et al. Sci Transl Med, 2015 Jan;7:270ra6). TTN truncating variants encoded in constitutive exons (PSI >90%) have been found to be significantly associated with DCM regardless of their position in titin (Schafer S et al. Nat. Genet., 2017 01;49:46-53). Based on the majority of available evidence to date, this variant is likely to be pathogenic.